The following is an entry in ClinVar:

NM_000038.6(APC):c.3667T>C (p.Ser1223Pro)

Gene: APC (APC regulator of Wnt signaling pathway; plus strand). Cytogenetic location: 5q22.2.
Variant type: single nucleotide variant.
Coding change: c.3667T>C on transcript NM_000038.6 (MANE Select); coding-DNA position 3667, T replaced by C.
Protein change: p.Ser1223Pro; replaces serine 1223 with proline.
Molecular consequence: missense variant. On other transcripts: non-coding transcript variant (2).
Genome position (GRCh38, 1-based): chr5:112,839,261, T>C. VCF-style: chr5-112839261-T-C. GRCh37 (hg19) VCF-style: chr5-112174958-T-C.
Other names: c.3667T>C, p.Ser1223Pro (NM_001127510.3, NM_001354895.2, NM_001407450.1); c.3613T>C, p.Ser1205Pro (NM_001127511.3); c.3721T>C, p.Ser1241Pro (NM_001354896.2, NM_001407447.1, NM_001407448.1 and 1 more transcripts); c.3697T>C, p.Ser1233Pro (NM_001354897.2); c.3592T>C, p.Ser1198Pro (NM_001354898.2); c.3583T>C, p.Ser1195Pro (NM_001354899.2); c.3544T>C, p.Ser1182Pro (NM_001354900.2); c.3490T>C, p.Ser1164Pro (NM_001354901.2, NM_001407453.1); and 11 more; short protein forms S1094P, S1122P, S1140P, S1205P, S1223P, S1251P, S940P, S839P.
Identifiers: ClinVar variation 2587015 (VCV002587015.2), dbSNP rs2149896625, ClinGen allele CA16029381.
Genomic context (GRCh38, chr5:112,839,261, plus strand): 5'-GGACAAAGCAGTAAAACCGAACATATGTCTTCAAGCAGTGAGAATACGTCCACACCTTCA[T>C]CTAATGCCAAGAGGCAGAATCAGCTCCATCCAAGTTCTGCACAGAGTAGAAGTGGTCAGC-3'
Protein context (NP_000029.2, residues 1213-1233): SSSENTSTPS[Ser1223Pro]NAKRQNQLHP

ClinVar aggregate classification (germline): Uncertain significance (1 of 4 stars; one submission).

Conditions:
Hereditary cancer-predisposing syndrome. Also called: Hereditary neoplastic syndrome; Tumor predisposition; Hereditary Cancer Syndrome; Neoplastic Syndromes, Hereditary. Identifiers: Orphanet 140162, MedGen C0027672, MeSH D009386, MONDO:0015356.

Submission:

Ambry Genetics
Classification: Uncertain significance for Hereditary cancer-predisposing syndrome. Last evaluated: 2023-08-03. Review status: criteria provided, single submitter. Criteria: Ambry Variant Classification Scheme 2023. Collection method: clinical testing. Allele origin: germline.
Comment: The p.S1223P variant (also known as c.3667T>C), located in coding exon 15 of the APC gene, results from a T to C substitution at nucleotide position 3667. The serine at codon 1223 is replaced by proline, an amino acid with similar properties. This amino acid position is conserved. In addition, in silico predictors for this gene do not accurately predict pathogenicity. Since supporting evidence is limited at this time, the clinical significance of this alteration remains unclear.